The following is an entry in ClinVar:

NM_000718.4(CACNA1B):c.2924C>A (p.Pro975Gln)

Gene: CACNA1B (calcium voltage-gated channel subunit alpha1 B; plus strand). Cytogenetic location: 9q34.3.
Variant type: single nucleotide variant.
Coding change: c.2924C>A on transcript NM_000718.4 (MANE Select); coding-DNA position 2924, C replaced by A.
Protein change: p.Pro975Gln; replaces proline 975 with glutamine.
Molecular consequence: missense variant.
Genome position (GRCh38, 1-based): chr9:138,023,667, C>A. VCF-style: chr9-138023667-C-A. GRCh37 (hg19) VCF-style: chr9-140918119-C-A.
Other names: c.2924C>A, p.Pro975Gln (NM_001243812.2); short protein forms P975Q.
Identifiers: ClinVar variation 1957401 (VCV001957401.5), dbSNP rs749385928, ClinGen allele CA5376503.
Genomic context (GRCh38, chr9:138,023,667, plus strand): 5'-GCGCGCGGCACCGCGGCGGCCCCCGAGCGGGGCCCCGGGAGGCGGAGAGCGGGGAGGAGC[C>A]GGCGCGGCGGCACCGGGCCCGGCACAAGGCGCAGCCTGCTCACGAGGCTGTGGAGAAGGA-3'
Protein context (NP_000709.1, residues 965-985): GPREAESGEE[Pro975Gln]ARRHRARHKA

ClinVar aggregate classification (germline): Uncertain significance. Review status: criteria provided, multiple submitters, no conflicts (2 of 4 stars). 4 submissions from 4 submitters: Uncertain significance (4). Last evaluated 2024-08-12.

Allele frequency attached by ClinVar (database versions not stated): TOPMed 0.00005; gnomAD 0.00007.
gnomAD v4.1: 142 of 1,493,250 alleles (0.0095%); highest among the groups gnomAD compares: Non-Finnish European, 0.012%; no homozygotes.

Submissions (4):

Women's Health and Genetics/Laboratory Corporation of America, LabCorp
Classification: Uncertain significance. Last evaluated: 2024-08-12. Review status: criteria provided, single submitter. Criteria: LabCorp Variant Classification Summary - May 2015. Collection method: clinical testing. Allele origin: germline.
Comment: Variant summary: CACNA1B c.2924C>A (p.Pro975Gln) results in a non-conservative amino acid change in the encoded protein sequence. Four of five in-silico tools predict a damaging effect of the variant on protein function. The variant allele was found at a frequency of 4e-05 in 101026 control chromosomes (gnomAD v2.1). The available data on variant occurrences in the general population are insufficient to allow any conclusion about variant significance. To our knowledge, no occurrence of c.2924C>A in individuals affected with Neurodevelopmental Disorder With Seizures And Nonepileptic Hyperkinetic Movements and no experimental evidence demonstrating its impact on protein function have been reported. ClinVar contains an entry for this variant (Variation ID: 1957401). Based on the evidence outlined above, the variant was classified as uncertain significance.

Blueprint Genetics
Classification: Uncertain significance. Last evaluated: 2023-06-01. Review status: criteria provided, single submitter. Criteria: ACMG Guidelines, 2015. Collection method: clinical testing. Allele origin: germline.

Ambry Genetics
Classification: Uncertain significance. Last evaluated: 2022-12-05. Review status: criteria provided, single submitter. Criteria: Ambry Variant Classification Scheme 2023. Collection method: clinical testing. Allele origin: germline.

Labcorp Genetics (formerly Invitae), Labcorp
Classification: Uncertain significance. Last evaluated: 2022-03-15. Review status: criteria provided, single submitter. Criteria: Invitae Variant Classification Sherloc (09022015). Collection method: clinical testing. Allele origin: germline.
Comment: This sequence change replaces proline, which is neutral and non-polar, with glutamine, which is neutral and polar, at codon 975 of the CACNA1B protein (p.Pro975Gln). This variant is present in population databases (rs749385928, gnomAD 0.01%). This variant has not been reported in the literature in individuals affected with CACNA1B-related conditions. Advanced modeling of protein sequence and biophysical properties (such as structural, functional, and spatial information, amino acid conservation, physicochemical variation, residue mobility, and thermodynamic stability) performed at Invitae indicates that this missense variant is not expected to disrupt CACNA1B protein function. In summary, the available evidence is currently insufficient to determine the role of this variant in disease. Therefore, it has been classified as a Variant of Uncertain Significance.